The following is an entry in ClinVar:

ClinVar aggregate classification (germline): Conflicting classifications of pathogenicity. Review status: criteria provided, conflicting classifications (1 of 4 stars). 3 submissions from 3 submitters: Uncertain significance (1); Likely benign (1). 1 of the submissions does not count toward it. Last evaluated 2025-11-19.

Conditions:
KIDINS220-related disorder. Also called: KIDINS220-related condition.
Spastic paraplegia, intellectual disability, nystagmus, and obesity. Also called: Spastic paraplegia, intellectual disability, nystagmus, and obesity;. Identifiers: Orphanet 521390, MedGen C4284592, MONDO:0015007, OMIM 617296.

Allele frequency attached by ClinVar (database versions not stated): gnomAD 0.00118 and 0.00127; TOPMed 0.00126; ESP Exome Variant Server 0.00165; gnomAD exomes 0.00008 and 0.00024; ExAC 0.00027; 1000 Genomes Project 0.00060; 1000 Genomes Project 30x 0.00109.
gnomAD v4.1: 310 of 1,614,178 alleles (0.019%); highest among the groups gnomAD compares: African/African-American, 0.37%; 1 homozygote.

Submissions (3):

Labcorp Genetics (formerly Invitae), Labcorp
Classification: Likely benign. Last evaluated: 2025-11-19. Review status: criteria provided, single submitter. Criteria: Invitae Variant Classification Sherloc (09022015). Collection method: clinical testing. Allele origin: germline.

Baylor Genetics
Classification: Uncertain significance for Spastic paraplegia, intellectual disability, nystagmus, and obesity. Last evaluated: 2019-05-15. Review status: criteria provided, single submitter. Criteria: ACMG Guidelines, 2015. Collection method: clinical testing. Allele origin: unknown. Affected: yes.
Comment: This variant was determined to be of uncertain significance according to ACMG Guidelines, 2015 [PMID:25741868].

PreventionGenetics, part of Exact Sciences
Classification: Likely benign for KIDINS220-related condition. Last evaluated: 2021-06-29. Review status: no assertion criteria provided. Collection method: clinical testing. Allele origin: germline. Not counted in ClinVar's aggregate classification.
Comment: This variant is classified as likely benign based on ACMG/AMP sequence variant interpretation guidelines (Richards et al. 2015 PMID: 25741868, with internal and published modifications).

NM_020738.4(KIDINS220):c.4947C>G (p.Asp1649Glu)

Gene: KIDINS220 (kinase D interacting substrate 220; minus strand). Cytogenetic location: 2p25.1.
Variant type: single nucleotide variant.
Coding change: c.4947C>G on transcript NM_020738.4 (MANE Select); coding-DNA position 4947, C replaced by G.
Protein change: p.Asp1649Glu; replaces aspartic acid 1649 with glutamic acid.
Molecular consequence: missense variant. On other transcripts: intron variant (6).
Genome position (GRCh38, 1-based): chr2:8,731,089, G>C on the plus strand (C>G on the coding strand, the complement: KIDINS220 is on the minus strand). VCF-style: chr2-8731089-G-C. GRCh37 (hg19) VCF-style: chr2-8871219-G-C.
Other names: c.4950C>G, p.Asp1650Glu (NM_001348729.2); c.4893C>G, p.Asp1631Glu (NM_001348731.2); c.4890C>G, p.Asp1630Glu (NM_001348732.2); c.4779C>G, p.Asp1593Glu (NM_001348734.2); c.4776C>G, p.Asp1592Glu (NM_001348735.2); c.4650C>G, p.Asp1550Glu (NM_001348736.2); c.3882+2355C>G (NM_001348741.2, NM_001348742.2, NM_001348743.2); c.3996+2355C>G (NM_001348738.2); and 1 more; short protein forms D1592E, D1630E, D1650E, D1593E, D1649E, D1550E, D1631E.
Identifiers: ClinVar variation 729662 (VCV000729662.12), dbSNP rs202094672, ClinGen allele CA1519279.